The following is an entry in ClinVar:

NM_006662.3(SRCAP):c.4099A>T (p.Thr1367Ser)

Gene: SRCAP (Snf2 related CREBBP activator protein; plus strand). Cytogenetic location: 16p11.2.
Variant type: single nucleotide variant.
Coding change: c.4099A>T on transcript NM_006662.3 (MANE Select); coding-DNA position 4099, A replaced by T.
Protein change: p.Thr1367Ser; replaces threonine 1367 with serine.
Molecular consequence: missense variant.
Genome position (GRCh38, 1-based): chr16:30,723,169, A>T. VCF-style: chr16-30723169-A-T. GRCh37 (hg19) VCF-style: chr16-30734490-A-T.
Other names: short protein forms T1367S.
Identifiers: ClinVar variation 4530970 (VCV004530970.1).

ClinVar aggregate classification (germline): Uncertain significance (1 of 4 stars; one submission).

Submission:

GeneDx
Classification: Uncertain significance. Last evaluated: 2025-05-16. Review status: criteria provided, single submitter. Criteria: GeneDx Variant Classification Process June 2021. Collection method: clinical testing. Allele origin: germline. Affected: yes.
Comment: Not observed at significant frequency in large population cohorts (gnomAD); In silico analysis suggests that this missense variant does not alter protein structure/function; Has not been previously published as pathogenic or benign to our knowledge